The following is an entry in ClinVar:

NM_000077.5(CDKN2A):c.94C>G (p.Leu32Val)

Gene: CDKN2A (cyclin dependent kinase inhibitor 2A; minus strand). Cytogenetic location: 9p21.3.
Variant type: single nucleotide variant.
Coding change: c.94C>G on transcript NM_000077.5; coding-DNA position 94, C replaced by G.
Protein change: p.Leu32Val; replaces leucine 32 with valine.
Molecular consequence: missense variant (on NM_000077.6). On other transcripts: intron variant (2).
Genome position (GRCh38, 1-based): chr9:21,974,734, G>C on the plus strand (C>G on the coding strand, the complement: CDKN2A is on the minus strand). VCF-style: chr9-21974734-G-C. GRCh37 (hg19) VCF-style: chr9-21974733-G-C.
Other names: c.94C>G, p.Leu32Val (NM_000077.6, NM_001195132.2, NM_058197.5); c.-3-3526C>G (NM_001363763.2); c.194-3526C>G (NM_058195.4); short protein forms L32V.
Identifiers: ClinVar variation 532278 (VCV000532278.15), dbSNP rs745827714, ClinGen allele CA5012319.

ClinVar aggregate classification (germline): Uncertain significance. Review status: criteria provided, multiple submitters, no conflicts (2 of 4 stars). 3 submissions from 3 submitters: Uncertain significance (3). Last evaluated 2025-02-03.

Conditions:
Melanoma and neural system tumor syndrome. Also called: MELANOMA-ASTROCYTOMA SYNDROME. Identifiers: Orphanet 252206, MedGen C1835042, MONDO:0007967, OMIM 155755.
Hereditary cancer-predisposing syndrome. Also called: Hereditary neoplastic syndrome; Tumor predisposition; Neoplastic Syndromes, Hereditary; Hereditary Cancer Syndrome. Identifiers: Orphanet 140162, MedGen C0027672, MeSH D009386, MONDO:0015356.
Familial melanoma. Also called: Hereditary melanoma; Hereditary cutaneous melanoma. Identifiers: Orphanet 618, MedGen C1512419, MONDO:0018961.

Allele frequency attached by ClinVar (database versions not stated): gnomAD exomes below 0.00001 and 0.00001; TOPMed below 0.00001; ExAC 0.00001.
gnomAD v4.1: 3 of 1,612,306 alleles (0.00019%); highest among the groups gnomAD compares: Admixed American, 0.005%; no homozygotes.

Submissions (3):

Labcorp Genetics (formerly Invitae), Labcorp
Classification: Uncertain significance for Familial melanoma. Last evaluated: 2025-02-03. Review status: criteria provided, single submitter. Criteria: Invitae Variant Classification Sherloc (09022015). Collection method: clinical testing. Allele origin: germline.
Comment: This sequence change replaces leucine, which is neutral and non-polar, with valine, which is neutral and non-polar, at codon 32 of the CDKN2A (p16INK4a) protein (p.Leu32Val). This variant is present in population databases (rs745827714, gnomAD 0.006%). This variant has not been reported in the literature in individuals affected with CDKN2A (p16INK4a)-related conditions. ClinVar contains an entry for this variant (Variation ID: 532278). An algorithm developed to predict the effect of missense changes on protein structure and function (PolyPhen-2) suggests that this variant is likely to be disruptive. This variant disrupts the p.Leu32 amino acid residue in CDKN2A (p16INK4a). Other variant(s) that disrupt this residue have been determined to be pathogenic (PMID: 8595405, 16905682, 17047042, 19712690, 20340136, 28592523). This suggests that this residue is clinically significant, and that variants that disrupt this residue are likely to be disease-causing. In summary, the available evidence is currently insufficient to determine the role of this variant in disease. Therefore, it has been classified as a Variant of Uncertain Significance.

Ambry Genetics
Classification: Uncertain significance for Hereditary cancer-predisposing syndrome. Last evaluated: 2024-07-22. Review status: criteria provided, single submitter. Criteria: Ambry Variant Classification Scheme 2023. Collection method: clinical testing. Allele origin: germline.
Comment: The p.L32V variant (also known as c.94C>G), located in coding exon 1 of the CDKN2A gene, results from a C to G substitution at nucleotide position 94. The leucine at codon 32 is replaced by valine, an amino acid with highly similar properties. This amino acid position is highly conserved in available vertebrate species. In addition, the in silico prediction for this alteration is inconclusive. Based on the available evidence, the clinical significance of this variant remains unclear.

Baylor Genetics
Classification: Uncertain significance for Melanoma and neural system tumor syndrome. Last evaluated: 2023-11-13. Review status: criteria provided, single submitter. Criteria: ACMG Guidelines, 2015. Collection method: clinical testing. Allele origin: unknown.

Literature cited by the submitters: PubMed 8595405 (cited by Labcorp Genetics (formerly Invitae), Labcorp); PubMed 16905682 (cited by Labcorp Genetics (formerly Invitae), Labcorp); PubMed 17047042 (cited by Labcorp Genetics (formerly Invitae), Labcorp); PubMed 19712690 (cited by Labcorp Genetics (formerly Invitae), Labcorp); PubMed 20340136 (cited by Labcorp Genetics (formerly Invitae), Labcorp); PubMed 28592523 (cited by Labcorp Genetics (formerly Invitae), Labcorp).